The following is an entry in ClinVar:

NM_198129.4(LAMA3):c.1283G>C (p.Cys428Ser)

Gene: LAMA3 (laminin subunit alpha 3; plus strand). Cytogenetic location: 18q11.2.
Variant type: single nucleotide variant.
Coding change: c.1283G>C on transcript NM_198129.4 (MANE Select); coding-DNA position 1283, G replaced by C.
Protein change: p.Cys428Ser; replaces cysteine 428 with serine.
Molecular consequence: missense variant. On other transcripts: non-coding transcript variant (1).
Genome position (GRCh38, 1-based): chr18:23,775,801, G>C. VCF-style: chr18-23775801-G-C. GRCh37 (hg19) VCF-style: chr18-21355765-G-C.
Other names: c.1283G>C, p.Cys428Ser (NM_001127717.4); short protein forms C428S.
Identifiers: ClinVar variation 592144 (VCV000592144.11), dbSNP rs180795245, ClinGen allele CA8914548.
Genomic context (GRCh38, chr18:23,775,801, plus strand): 5'-TTGTTAAGTGCAGTGAAGGACGGATCCTTTGAAAACTGGGATTTCTCTTAGCCTGCAGCT[G>C]TGACCCTGAGCATGCGGATGGCTGTGAACAGGGTTCAGGCCGCTGTCACTGCAAGCCAAA-3'
Protein context (NP_937762.2, residues 418-438): DAPDGCIPCS[Cys428Ser]DPEHADGCEQ

ClinVar aggregate classification (germline): Likely benign. Review status: criteria provided, multiple submitters, no conflicts (2 of 4 stars). 3 submissions from 3 submitters: Likely benign (2). 1 of the submissions does not count toward it. Last evaluated 2025-01-14.

Conditions:
LAMA3-related disorder. Also called: LAMA3-related disorders; LAMA3-related condition.
Junctional epidermolysis bullosa gravis of Herlitz. Also called: EPIDERMOLYSIS BULLOSA, JUNCTIONAL 1B, SEVERE; Epidermolysis Bullosa Letalis; Herlitz-type junctional epidermolysis bullosa; EPIDERMOLYSIS BULLOSA JUNCTIONALIS, HERLITZ TYPE; EPIDERMOLYSIS BULLOSA, JUNCTIONAL, HERLITZ-PEARSON TYPE; JEB-HERLITZ TYPE. Identifiers: Orphanet 79404, MedGen C0079683, MONDO:0009182, OMIM 226700.

Allele frequency attached by ClinVar (database versions not stated): ExAC 0.00032; ESP Exome Variant Server 0.00089; TOPMed 0.00099; 1000 Genomes Project 30x 0.00187; gnomAD exomes 0.00026; gnomAD 0.00086 and 0.00092; 1000 Genomes Project 0.00200.
gnomAD v4.1: 263 of 1,614,024 alleles (0.016%); highest among the groups gnomAD compares: African/African-American, 0.29%; 1 homozygote.

Submissions (3):

PreventionGenetics, part of Exact Sciences
Classification: Likely benign for LAMA3-related condition. Last evaluated: 2025-01-14. Review status: criteria provided, single submitter. Criteria: ACMG Guidelines, 2015. Collection method: clinical testing. Allele origin: germline.
Comment: This variant is classified as likely benign based on ACMG/AMP sequence variant interpretation guidelines (Richards et al. 2015 PMID: 25741868, with internal and published modifications).

Labcorp Genetics (formerly Invitae), Labcorp
Classification: Likely benign. Last evaluated: 2022-10-03. Review status: criteria provided, single submitter. Criteria: Invitae Variant Classification Sherloc (09022015). Collection method: clinical testing. Allele origin: germline.

Biochemical Molecular Genetic Laboratory, King Abdulaziz Medical City
Classification: Uncertain significance for Junctional epidermolysis bullosa gravis of Herlitz. Last evaluated: 2018-06-13. Review status: no assertion criteria provided. Collection method: clinical testing. Allele origin: germline. Affected: yes. Not counted in ClinVar's aggregate classification.